The following is an entry in ClinVar:

NM_014639.4(SKIC3):c.2662C>T (p.Gln888Ter)

Gene: SKIC3 (SKI3 subunit of superkiller complex; minus strand). Cytogenetic location: 5q15.
Variant type: single nucleotide variant.
Coding change: c.2662C>T on transcript NM_014639.4 (MANE Select); coding-DNA position 2662, C replaced by T.
Protein change: p.Gln888Ter; replaces glutamine 888 with a stop codon.
Molecular consequence: nonsense.
Genome position (GRCh38, 1-based): chr5:95,514,896, G>A on the plus strand (C>T on the coding strand, the complement: SKIC3 is on the minus strand). VCF-style: chr5-95514896-G-A. GRCh37 (hg19) VCF-style: chr5-94850600-G-A.
Other names: short protein forms Q888*.
Identifiers: ClinVar variation 816870 (VCV000816870.6), dbSNP rs1269943135, ClinGen allele CA360456340.

ClinVar aggregate classification (germline): Pathogenic. Review status: criteria provided, multiple submitters, no conflicts (2 of 4 stars). 2 submissions from 2 submitters: Pathogenic (2). Last evaluated 2023-04-11.

Conditions:
Trichohepatoenteric syndrome 1 (THES1). Also called: DIARRHEA, FATAL INFANTILE, WITH TRICHORRHEXIS NODOSA. Identifiers: Orphanet 84064, MedGen C4551982, MONDO:0024541, OMIM 222470.

Allele frequency attached by ClinVar (database versions not stated): gnomAD 0.00001 and 0.00002; TOPMed 0.00002.
gnomAD v4.1: 2 of 1,612,340 alleles (0.00012%); highest among the groups gnomAD compares: African/African-American, 0.0027%; no homozygotes.

Submissions (2):

Labcorp Genetics (formerly Invitae), Labcorp
Classification: Pathogenic. Last evaluated: 2023-04-11. Review status: criteria provided, single submitter. Criteria: Invitae Variant Classification Sherloc (09022015). Collection method: clinical testing. Allele origin: germline.
Comment: This sequence change creates a premature translational stop signal (p.Gln888*) in the TTC37 gene. It is expected to result in an absent or disrupted protein product. Loss-of-function variants in TTC37 are known to be pathogenic (PMID: 20176027, 21120949). For these reasons, this variant has been classified as Pathogenic. ClinVar contains an entry for this variant (Variation ID: 816870). This variant has not been reported in the literature in individuals affected with TTC37-related conditions. This variant is present in population databases (no rsID available, gnomAD 0.02%).

Genomic Medicine Lab, University of California San Francisco
Classification: Pathogenic for Trichohepatoenteric syndrome 1. Last evaluated: 2018-08-02. Review status: criteria provided, single submitter. Criteria: ACMG Guidelines, 2015. Collection method: clinical testing. Allele origin: maternal. Inheritance: Autosomal recessive inheritance. Affected: yes. Study: CSER.

Literature cited by the submitters: PubMed 20176027 (cited by Labcorp Genetics (formerly Invitae), Labcorp); PubMed 21120949 (cited by Labcorp Genetics (formerly Invitae), Labcorp).